The following is an entry in ClinVar:

ClinVar aggregate classification (germline): Uncertain significance (1 of 4 stars; one submission).

Conditions:
Neuropathy, hereditary sensory and autonomic, type 2A (HSAN2A). Also called: WNK1-Related HSAN2 (HSAN2A); ACROOSTEOLYSIS, GIACCAI TYPE; ACROOSTEOLYSIS, NEUROGENIC; MORVAN DISEASE; NEUROPATHY, CONGENITAL SENSORY; NEUROPATHY, HEREDITARY SENSORY RADICULAR, AUTOSOMAL RECESSIVE. Identifiers: Orphanet 970, MedGen C2752089, MONDO:0024309, OMIM 201300.
Pseudohypoaldosteronism type 2C (PHA2C). Also called: Pseudohypoaldosteronism Type IIC. Identifiers: Orphanet 757, Orphanet 88940, MedGen C1840391, MONDO:0013778, OMIM 614492.

gnomAD v4.1: 2 of 1,535,984 alleles (0.00013%); highest among the groups gnomAD compares: Non-Finnish European, 0.000087%; no homozygotes.

Submission:

Labcorp Genetics (formerly Invitae), Labcorp
Classification: Uncertain significance for Neuropathy, hereditary sensory and autonomic, type 2A; Pseudohypoaldosteronism type 2C. Last evaluated: 2025-10-02. Review status: criteria provided, single submitter. Criteria: Invitae Variant Classification Sherloc (09022015). Collection method: clinical testing. Allele origin: germline.
Comment: This sequence change replaces cysteine, which is neutral and slightly polar, with serine, which is neutral and polar, at codon 759 of the WNK1 protein (p.Cys759Ser). This variant is not present in population databases (gnomAD no frequency). This variant has not been reported in the literature in individuals affected with WNK1-related conditions. Invitae Evidence Modeling of protein sequence and biophysical properties (such as structural, functional, and spatial information, amino acid conservation, physicochemical variation, residue mobility, and thermodynamic stability) indicates that this missense variant is not expected to disrupt WNK1 protein function with a negative predictive value of 95%. In summary, the available evidence is currently insufficient to determine the role of this variant in disease. Therefore, it has been classified as a Variant of Uncertain Significance.

NM_213655.5(WNK1):c.2276G>C (p.Cys759Ser)

Gene: WNK1 (WNK lysine deficient protein kinase 1; plus strand). Cytogenetic location: 12p13.33.
Variant type: single nucleotide variant.
Coding change: c.2276G>C on transcript NM_213655.5 (MANE Plus Clinical); coding-DNA position 2276, G replaced by C.
Protein change: p.Cys759Ser; replaces cysteine 759 with serine.
Molecular consequence: missense variant. On other transcripts: intron variant (3).
Genome position (GRCh38, 1-based): chr12:865,246, G>C. VCF-style: chr12-865246-G-C. GRCh37 (hg19) VCF-style: chr12-974412-G-C.
Other names: c.2140-2620G>C (NM_001184985.2); c.2139+2976G>C (NM_018979.4, NM_014823.3); short protein forms C759S.
Identifiers: ClinVar variation 4788550 (VCV004788550.1).
Genomic context (GRCh38, chr12:865,246, plus strand): 5'-TGCTCTTCCACCCCACCGCCAGTACTGTCTGCACCTCTTTCTCCTTCCCTCCTCCGGACT[G>C]CCCCGAGGAAACTTTTGCCGAAAAGCTTTCTAAAGCATTGGAGAGTGTCCTGCCTATGCA-3'
Protein context (NP_998820.3, residues 749-769): CTSFSFPPPD[Cys759Ser]PEETFAEKLS